The following is an entry in ClinVar:

NM_000053.4(ATP7B):c.1705_1707+10del

Gene: ATP7B (ATPase copper transporting beta; minus strand). Cytogenetic location: 13q14.3.
Variant type: Deletion.
Coding change: c.1705_1707+10del on transcript NM_000053.4 (MANE Select); coding-DNA position 1705 through 10 bases into the intron after coding-DNA position 1707, 13 bases deleted (ACAGTAAGTACTG).
Molecular consequence: splice donor variant.
Genome position (GRCh38, 1-based): chr13:51,968,434-51,968,446, CAGTACTTACTGT deleted on the plus strand (ACAGTAAGTACTG on the coding strand, the reverse complement: ATP7B is on the minus strand); deleting any 13 consecutive bases within chr13:51,968,434-51,968,449 gives the same sequence; the c. name uses the placement nearest the transcript's 3' end. VCF-style (leftmost placement, unchanged base first): chr13-51968433-ACAGTACTTACTGT-A. GRCh37 (hg19) VCF-style: chr13-52542569-ACAGTACTTACTGT-A.
Other names: c.1372_1374+10del (NM_001243182.2); c.1705_1707+10del (NM_001005918.3, NM_001330579.2, NM_001330578.2).
Identifiers: ClinVar variation 1162212 (VCV001162212.6), dbSNP rs2139883798, ClinGen allele CA2499222499.
Genomic context (GRCh38, chr13:51,968,433, plus strand): 5'-ACAAAGATGGATGTGTCCAAAATGCAAACTGTCAGAAGCCTGTAACCCCGTAACGCACCC[ACAGTACTTACTGT>A]CAGCTCAATGTTGCCATCGGAGCCTGCGTAGTCCTCCATGACTGCTGCCTCAAAACCCAG-3'

ClinVar aggregate classification (germline): Pathogenic. Review status: criteria provided, multiple submitters, no conflicts (2 of 4 stars). 2 submissions from 2 submitters: Pathogenic (2). Last evaluated 2023-11-10.

Conditions:
Wilson disease (WND). Also called: Wilson's disease. Identifiers: Orphanet 905, MedGen C0019202, MONDO:0010200, OMIM 277900. Disease mechanism: loss of function.

Submissions (2):

Labcorp Genetics (formerly Invitae), Labcorp
Classification: Pathogenic for Wilson disease. Last evaluated: 2023-11-10. Review status: criteria provided, single submitter. Criteria: Invitae Variant Classification Sherloc (09022015). Collection method: clinical testing. Allele origin: germline.
Comment: This variant results in the deletion of part of exon 4 (c.1705_1707+10del) of the ATP7B gene. It is expected to disrupt RNA splicing. Variants that disrupt the donor or acceptor splice site typically lead to a loss of protein function (PMID: 16199547), and loss-of-function variants in ATP7B are known to be pathogenic (PMID: 10441329, 16283883). This variant is not present in population databases (gnomAD no frequency). This variant has been observed in individual(s) with Wilson disease (PMID: 23567103). This variant is also known as p.Thr569del. ClinVar contains an entry for this variant (Variation ID: 1162212). For these reasons, this variant has been classified as Pathogenic.

Inborn Errors of Metabolism Laboratory, Hospices Civils de Lyon
Classification: Pathogenic for Wilson disease. Last evaluated: 2021-06-01. Review status: criteria provided, single submitter. Criteria: ACMG Guidelines, 2015. Collection method: clinical testing. Allele origin: germline. Affected: yes. Observed: 2 variant alleles.

Literature cited by the submitters: PubMed 16199547 (cited by Labcorp Genetics (formerly Invitae), Labcorp); PubMed 10441329 (cited by Labcorp Genetics (formerly Invitae), Labcorp); PubMed 16283883 (cited by Labcorp Genetics (formerly Invitae), Labcorp); PubMed 23567103 (cited by Labcorp Genetics (formerly Invitae), Labcorp and Inborn Errors of Metabolism Laboratory, Hospices Civils de Lyon).